The following is an entry in ClinVar:

NM_152743.4(BRAT1):c.1931_1932delinsAG (p.Arg644Gln)

Gene: BRAT1 (BRCA1 associated ATM activator 1; minus strand). Cytogenetic location: 7p22.3.
Variant type: Indel.
Coding change: c.1931_1932delinsAG on transcript NM_152743.4 (MANE Select); coding-DNA positions 1931 to 1932, GA replaced by AG.
Protein change: p.Arg644Gln; replaces arginine 644 with glutamine.
Molecular consequence: missense variant. On other transcripts: non-coding transcript variant (1).
Genome position (GRCh38, 1-based): chr7:2,538,603-2,538,604, TC replaced by CT on the plus strand (GA replaced by AG on the coding strand, the reverse complement: BRAT1 is on the minus strand). VCF-style: chr7-2538603-TC-CT. GRCh37 (hg19) VCF-style: chr7-2578237-TC-CT.
Other names: c.2111_2112delinsAG, p.Arg704Gln (NM_001350626.2); c.1406_1407delinsAG, p.Arg469Gln (NM_001350627.2); short protein forms R644Q, R704Q, R469Q.
Identifiers: ClinVar variation 446896 (VCV000446896.14), dbSNP rs71531463, ClinGen allele CA152664901.

ClinVar aggregate classification (germline): Benign. Review status: criteria provided, multiple submitters, no conflicts (2 of 4 stars). 3 submissions from 3 submitters: Benign (3). Last evaluated 2026-02-03.

Conditions:
Neonatal-onset encephalopathy with rigidity and seizures. Also called: Lethal neonatal spasticity-epileptic encephalopathy syndrome. Identifiers: Orphanet 435845, MedGen C3281029, MONDO:0013784, OMIM 614498.

Submissions (3):

Labcorp Genetics (formerly Invitae), Labcorp
Classification: Benign for Neonatal-onset encephalopathy with rigidity and seizures. Last evaluated: 2026-02-03. Review status: criteria provided, single submitter. Criteria: Invitae Variant Classification Sherloc (09022015). Collection method: clinical testing. Allele origin: germline.

Athena Diagnostics
Classification: Benign. Last evaluated: 2025-06-09. Review status: criteria provided, single submitter. Criteria: Athena Diagnostics Criteria. Collection method: clinical testing. Allele origin: unknown.
Comment: The frequency of this variant in the general population is higher than would generally be expected for pathogenic variants in this gene.

Unidad de Genómica Garrahan, Hospital de Pediatría Garrahan
Classification: Benign. Last evaluated: 2024-07-15. Review status: criteria provided, single submitter. Criteria: ACMG Guidelines, 2015. Collection method: clinical testing. Allele origin: germline. Affected: no. Observed: 33 variant alleles.
Comment: This variant is classified as Benign based on local population frequency. This variant was detected in 35% of patients studied in a panel designed for Epileptic and Developmental Encephalopathy and Progressive Myoclonus Epilepsy. Number of patients: 33. Only high quality variants are reported.